The following is an entry in ClinVar:

NM_194248.3(OTOF):c.2702C>T (p.Ser901Leu)

Gene: OTOF (otoferlin; minus strand). Cytogenetic location: 2p23.3.
Variant type: single nucleotide variant.
Coding change: c.2702C>T on transcript NM_194248.3 (MANE Select); coding-DNA position 2702, C replaced by T.
Protein change: p.Ser901Leu; replaces serine 901 with leucine.
Molecular consequence: missense variant.
Genome position (GRCh38, 1-based): chr2:26,476,292, G>A on the plus strand (C>T on the coding strand, the complement: OTOF is on the minus strand). VCF-style: chr2-26476292-G-A. GRCh37 (hg19) VCF-style: chr2-26699160-G-A.
Other names: c.2702C>T, p.Ser901Leu (NM_001287489.2); c.461C>T, p.Ser154Leu (NM_004802.4, NM_194323.3); c.632C>T, p.Ser211Leu (NM_194322.3); short protein forms S901L, S211L, S154L.
Identifiers: ClinVar variation 335444 (VCV000335444.12), dbSNP rs200599474, ClinGen allele CA1563790.

ClinVar aggregate classification (germline): Uncertain significance. Review status: criteria provided, multiple submitters, no conflicts (2 of 4 stars). 3 submissions from 3 submitters: Uncertain significance (3). Last evaluated 2023-05-31.

Conditions:
Autosomal recessive nonsyndromic hearing loss 9. Also called: Deafness, autosomal recessive 9; OTOF-Related Hearing Loss; NEUROSENSORY NONSYNDROMIC RECESSIVE DEAFNESS 9; AUDITORY NEUROPATHY, AUTOSOMAL RECESSIVE, 1, TEMPERATURE-SENSITIVE. Identifiers: Orphanet 90636, MedGen C1832828, MONDO:0010986, OMIM 601071.

Allele frequency attached by ClinVar (database versions not stated): 1000 Genomes Project 30x 0.00016; 1000 Genomes Project 0.00020; gnomAD exomes 0.00005; gnomAD 0.00006; ExAC 0.00008; TOPMed 0.00008.
gnomAD v4.1: 138 of 1,605,330 alleles (0.0086%); highest among the groups gnomAD compares: Non-Finnish European, 0.011%; 1 homozygote.

Submissions (3):

Blueprint Genetics
Classification: Uncertain significance. Last evaluated: 2023-05-31. Review status: criteria provided, single submitter. Criteria: ACMG Guidelines, 2015. Collection method: clinical testing. Allele origin: germline.

Labcorp Genetics (formerly Invitae), Labcorp
Classification: Uncertain significance. Last evaluated: 2022-03-03. Review status: criteria provided, single submitter. Criteria: Invitae Variant Classification Sherloc (09022015). Collection method: clinical testing. Allele origin: germline.
Comment: This sequence change replaces serine, which is neutral and polar, with leucine, which is neutral and non-polar, at codon 901 of the OTOF protein (p.Ser901Leu). This variant is present in population databases (rs200599474, gnomAD 0.01%). This variant has not been reported in the literature in individuals affected with OTOF-related conditions. ClinVar contains an entry for this variant (Variation ID: 335444). Algorithms developed to predict the effect of missense changes on protein structure and function (SIFT, PolyPhen-2, Align-GVGD) all suggest that this variant is likely to be tolerated. In summary, the available evidence is currently insufficient to determine the role of this variant in disease. Therefore, it has been classified as a Variant of Uncertain Significance.

Illumina Laboratory Services, Illumina
Classification: Uncertain significance for Autosomal recessive nonsyndromic hearing loss 9. Last evaluated: 2018-01-12. Review status: criteria provided, single submitter. Criteria: ICSL Variant Classification Criteria 13 December 2019. Collection method: clinical testing. Allele origin: germline.